The following is an entry in ClinVar:

ClinVar aggregate classification (germline): Pathogenic (1 of 4 stars; one submission).

Allele frequency attached by ClinVar (database versions not stated): TOPMed below 0.00001; gnomAD exomes 0.00001.
gnomAD v4.1: 5 of 1,598,716 alleles (0.00031%); highest among the groups gnomAD compares: East Asian, 0.0023%; no homozygotes.

Submission:

Labcorp Genetics (formerly Invitae), Labcorp
Classification: Pathogenic. Last evaluated: 2024-02-14. Review status: criteria provided, single submitter. Criteria: Invitae Variant Classification Sherloc (09022015). Collection method: clinical testing. Allele origin: germline.
Comment: This sequence change creates a premature translational stop signal (p.Gln140*) in the TELO2 gene. It is expected to result in an absent or disrupted protein product. Loss-of-function variants in TELO2 are known to be pathogenic (PMID: 28944240). This variant is not present in population databases (gnomAD no frequency). This variant has not been reported in the literature in individuals affected with TELO2-related conditions. For these reasons, this variant has been classified as Pathogenic.

Literature cited by the submitters: PubMed 28944240.

NM_016111.4(TELO2):c.418C>T (p.Gln140Ter)

Gene: TELO2 (telomere maintenance 2; plus strand). Cytogenetic location: 16p13.3.
Variant type: single nucleotide variant.
Coding change: c.418C>T on transcript NM_016111.4 (MANE Select); coding-DNA position 418, C replaced by T.
Protein change: p.Gln140Ter; replaces glutamine 140 with a stop codon.
Molecular consequence: nonsense.
Genome position (GRCh38, 1-based): chr16:1,495,428, C>T. VCF-style: chr16-1495428-C-T. GRCh37 (hg19) VCF-style: chr16-1545429-C-T.
Other names: c.418C>T, p.Gln140Ter (NM_001351846.2); short protein forms Q140*.
Identifiers: ClinVar variation 2783244 (VCV002783244.3), dbSNP rs1187013377, ClinGen allele CA394206908.